The following is an entry in ClinVar:

ClinVar aggregate classification (germline): Benign (1 of 4 stars; one submission).

Conditions:
Macular corneal dystrophy (MCD). Also called: GROENOUW TYPE II CORNEAL DYSTROPHY; Macular corneal dystrophy Type I. Identifiers: Orphanet 98969, MedGen C1636149, MONDO:0009020, OMIM 217800.

Allele frequency attached by ClinVar (database versions not stated): TOPMed 0.01693; 1000 Genomes Project 0.02196; 1000 Genomes Project 30x 0.02342.

Submission:

Illumina Laboratory Services, Illumina
Classification: Benign for Macular corneal dystrophy. Last evaluated: 2018-01-12. Review status: criteria provided, single submitter. Criteria: ICSL Variant Classification Criteria 13 December 2019. Collection method: clinical testing. Allele origin: germline.
Comment: This variant was observed in the ICSL laboratory as part of a predisposition screen in an ostensibly healthy population. It had not been previously curated by ICSL or reported in the Human Gene Mutation Database (HGMD: prior to June 1st, 2018), and was therefore a candidate for classification through an automated scoring system. Utilizing variant allele frequency, disease prevalence and penetrance estimates, and inheritance mode, an automated score was calculated to assess if this variant is too frequent to cause the disease. Based on the score and internal cut-off values, a variant classified as benign is not then subjected to further curation. The score for this variant resulted in a classification of benign for this disease.

NM_021615.5(CHST6):c.*1047G>T

Gene: CHST6 (carbohydrate sulfotransferase 6; minus strand). Cytogenetic location: 16q23.1.
Variant type: single nucleotide variant.
Coding change: c.*1047G>T on transcript NM_021615.5 (MANE Select); 1047 bases downstream of the stop codon, G replaced by T.
Molecular consequence: 3 prime UTR variant.
Genome position (GRCh38, 1-based): chr16:75,477,594, C>A on the plus strand (G>T on the coding strand, the complement: CHST6 is on the minus strand). VCF-style: chr16-75477594-C-A. GRCh37 (hg19) VCF-style: chr16-75511492-C-A.
Identifiers: ClinVar variation 320581 (VCV000320581.5), dbSNP rs77687996, ClinGen allele CA10644295.